The following is an entry in ClinVar:

NM_001851.6(COL9A1):c.835C>A (p.Pro279Thr)

Gene: COL9A1 (collagen type IX alpha 1 chain; minus strand). Cytogenetic location: 6q13.
Variant type: single nucleotide variant.
Coding change: c.835C>A on transcript NM_001851.6 (MANE Select); coding-DNA position 835, C replaced by A.
Protein change: p.Pro279Thr; replaces proline 279 with threonine.
Molecular consequence: missense variant. On other transcripts: non-coding transcript variant (1).
Genome position (GRCh38, 1-based): chr6:70,281,431, G>T on the plus strand (C>A on the coding strand, the complement: COL9A1 is on the minus strand). VCF-style: chr6-70281431-G-T. GRCh37 (hg19) VCF-style: chr6-70991134-G-T.
Other names: c.106C>A, p.Pro36Thr (NM_001377289.1, NM_001377290.1, NM_078485.4); c.835C>A, p.Pro279Thr (NM_001377291.1); short protein forms P279T, P36T.
Identifiers: ClinVar variation 2096899 (VCV002096899.1), dbSNP rs1773159367, ClinGen allele CA364665983.

ClinVar aggregate classification (germline): Uncertain significance (1 of 4 stars; one submission).

Submission:

Labcorp Genetics (formerly Invitae), Labcorp
Classification: Uncertain significance. Last evaluated: 2022-02-11. Review status: criteria provided, single submitter. Criteria: Invitae Variant Classification Sherloc (09022015). Collection method: clinical testing. Allele origin: germline.
Comment: This sequence change replaces proline, which is neutral and non-polar, with threonine, which is neutral and polar, at codon 279 of the COL9A1 protein (p.Pro279Thr). This variant is not present in population databases (gnomAD no frequency). This variant has not been reported in the literature in individuals affected with COL9A1-related conditions. Advanced modeling of protein sequence and biophysical properties (such as structural, functional, and spatial information, amino acid conservation, physicochemical variation, residue mobility, and thermodynamic stability) performed at Invitae indicates that this missense variant is not expected to disrupt COL9A1 protein function. In summary, the available evidence is currently insufficient to determine the role of this variant in disease. Therefore, it has been classified as a Variant of Uncertain Significance.